The following is an entry in ClinVar:

ClinVar aggregate classification (germline): Uncertain significance (1 of 4 stars; one submission).

Allele frequency attached by ClinVar (database versions not stated): gnomAD exomes below 0.00001.
gnomAD v4.1: 2 of 1,614,182 alleles (0.00012%); highest among the groups gnomAD compares: Non-Finnish European, 0.00017%; no homozygotes.

Submission:

Ambry Genetics
Classification: Uncertain significance. Last evaluated: 2021-07-08. Review status: criteria provided, single submitter. Criteria: Ambry Variant Classification Scheme 2023. Collection method: clinical testing. Allele origin: germline.
Comment: The p.A2160E variant (also known as c.6479C>A), located in coding exon 12 of the ALPK2 gene, results from a C to A substitution at nucleotide position 6479. The alanine at codon 2160 is replaced by glutamic acid, an amino acid with dissimilar properties. This amino acid position is conserved. In addition, this alteration is predicted to be tolerated by in silico analysis. Since supporting evidence is limited at this time, the clinical significance of this alteration remains unclear.

NM_052947.4(ALPK2):c.6479C>A (p.Ala2160Glu)

Gene: ALPK2 (alpha kinase 2; minus strand). Cytogenetic location: 18q21.31.
Variant type: single nucleotide variant.
Coding change: c.6479C>A on transcript NM_052947.4 (MANE Select); coding-DNA position 6479, C replaced by A.
Protein change: p.Ala2160Glu; replaces alanine 2160 with glutamic acid.
Molecular consequence: missense variant.
Genome position (GRCh38, 1-based): chr18:58,481,857, G>T on the plus strand (C>A on the coding strand, the complement: ALPK2 is on the minus strand). VCF-style: chr18-58481857-G-T. GRCh37 (hg19) VCF-style: chr18-56149089-G-T.
Other names: short protein forms A2160E.
Identifiers: ClinVar variation 1753736 (VCV001753736.2), dbSNP rs2518842548, ClinGen allele CA402538229.